The following is an entry in ClinVar:

ClinVar aggregate classification (germline): Pathogenic (1 of 4 stars; one submission).

Conditions:
Duchenne muscular dystrophy (DMD). Also called: Duchenne Muscular Dystrophy (DMD); MUSCULAR DYSTROPHY, PSEUDOHYPERTROPHIC PROGRESSIVE, DUCHENNE TYPE. Identifiers: Orphanet 98896, MedGen C0013264, MONDO:0010679, OMIM 310200.

Submission:

Labcorp Genetics (formerly Invitae), Labcorp
Classification: Pathogenic for Duchenne muscular dystrophy. Last evaluated: 2024-06-19. Review status: criteria provided, single submitter. Criteria: Invitae Variant Classification Sherloc (09022015). Collection method: clinical testing. Allele origin: germline.
Comment: This sequence change creates a premature translational stop signal (p.Leu84Phefs*5) in the DMD gene. It is expected to result in an absent or disrupted protein product. Loss-of-function variants in DMD are known to be pathogenic (PMID: 16770791, 25007885). This variant is not present in population databases (gnomAD no frequency). This premature translational stop signal has been observed in individual(s) with Duchenne or Becker muscular dystrophy (PMID: 19074751). For these reasons, this variant has been classified as Pathogenic.

Literature cited by the submitters: PubMed 16770791; PubMed 25007885; PubMed 19074751.

NM_004006.3(DMD):c.251dup (p.Leu84fs)

Gene: DMD (dystrophin; minus strand). Cytogenetic location: Xp21.1.
Variant type: Duplication.
Coding change: c.251dup on transcript NM_004006.3 (MANE Select); coding-DNA position 251, one base duplicated (T; older notation c.251dupT).
Protein change: p.Leu84fs; shifts the reading frame from leucine 84.
Molecular consequence: frameshift variant. On other transcripts: 5 prime UTR variant (1).
Genome position (GRCh38, 1-based): chrX:32,844,796, A duplicated on the plus strand (T on the coding strand, the reverse complement: DMD is on the minus strand); the first of 4 consecutive A bases (chrX:32,844,796-32,844,799); duplicating any one gives the same sequence. VCF-style (leftmost placement, unchanged base first): chrX-32844795-C-CA. GRCh37 (hg19) VCF-style: chrX-32862912-C-CA.
Other names: c.227dup, p.Leu76fs (NM_000109.4); c.239dup, p.Leu80fs (NM_004009.3); c.-119dup (NM_004010.3); short protein forms L76fs, L84fs, L80fs.
Identifiers: ClinVar variation 3724192 (VCV003724192.2).
Genomic context (GRCh38, chrX:32,844,795, plus strand): 5'-AAGCATGCTGTGTCACAGCATCCAGACCTTGTCCAGGGTACTACTTACATTATTGTTCTG[C>CA]AAAACCCGCAGTGCCTTGTTGACATTGTTCAGGGCATGAACTCTTGTGGATCCTTTTTCT-3'